The following is an entry in ClinVar:

ClinVar aggregate classification (germline): Pathogenic/Likely pathogenic. Review status: criteria provided, multiple submitters, no conflicts (2 of 4 stars). 4 submissions from 4 submitters: Pathogenic (2); Likely pathogenic (1). 1 of the submissions does not count toward it. Last evaluated 2025-10-26.

Conditions:
L-2-hydroxyglutaric aciduria (L2HGA). Identifiers: Orphanet 79314, MedGen C1855995, MONDO:0009370, OMIM 236792, HP:0040144.

Allele frequency attached by ClinVar (database versions not stated): gnomAD 0.00001; gnomAD exomes 0.00001 and below 0.00001; TOPMed below 0.00001.
gnomAD v4.1: 11 of 1,613,508 alleles (0.00068%); highest among the groups gnomAD compares: South Asian, 0.0022%; no homozygotes.

Submissions (4):

Variantyx, Inc.
Classification: Likely pathogenic for L-2-hydroxyglutaric aciduria. Last evaluated: 2025-10-26. Review status: criteria provided, single submitter. Criteria: Variantyx Assertion Criteria 2022. Collection method: clinical testing. Allele origin: germline. Inheritance: Autosomal recessive inheritance. Affected: no.
Comment: This is a nonsense variant in the L2HGDH gene (OMIM: 609584). Pathogenic variants in this gene have been associated with autosomal recessive L-2-hydroxyglutaric aciduria. This variant introduces a premature termination codon in exon 8 out of 10 and is expected to result in loss of function, which is a known disease mechanism for L2HGDH in this disorder (PMID:37378753;40870031)(PVS1). It has been reported in the homozygous state in 2 affected individuals (PMID:21937992,15385440) and it has a 0.0022% maximum allele frequency in non-founder control populations (PM2). Based on the current evidence, this variant is classified as likely pathogenic for autosomal recessive L-2-hydroxyglutaric aciduria.N

3billion
Classification: Pathogenic for L-2-hydroxyglutaric aciduria. Last evaluated: 2023-06-19. Review status: criteria provided, single submitter. Criteria: ACMG Guidelines, 2015. Collection method: clinical testing. Allele origin: germline. Affected: yes.
Comment: The variant is observed at an extremely low frequency in the gnomAD v2.1.1 dataset (total allele frequency: <0.001%). Predicted Consequence/Location: Stop-gained (nonsense): predicted to result in a loss or disruption of normal protein function through nonsense-mediated decay (NMD) or protein truncation. Multiple pathogenic variants are reported downstream of the variant. The variant has been reported at least twice as pathogenic without evidence for the classification (ClinVar ID: VCV000030793 /PMID: 15385440). Therefore, this variant is classified as Pathogenic according to the recommendation of ACMG/AMP guideline.

Institute for Genomic Statistics and Bioinformatics, University Hospital Bonn
Classification: Pathogenic for L-2-hydroxyglutaric aciduria. Review status: criteria provided, single submitter. Criteria: ACMG Guidelines, 2015. Collection method: clinical testing. Allele origin: germline. Inheritance: Autosomal recessive inheritance. Affected: yes. Observed: 1 variant allele, 1 homozygote.
Comment: ACMG classificatio: class 5 (PVS1, PM2, PP5)

OMIM
Classification: Pathogenic for L-2-HYDROXYGLUTARIC ACIDURIA. Last evaluated: 2011-09-21. Review status: no assertion criteria provided. Collection method: literature only. Allele origin: germline. Not counted in ClinVar's aggregate classification.

Literature cited by the submitters: PubMed 37378753 (cited by Variantyx, Inc.); PubMed 40870031 (cited by Variantyx, Inc.); PubMed 21937992 (cited by Variantyx, Inc. and OMIM); PubMed 15385440 (cited by Variantyx, Inc. and 3billion).

NM_024884.3(L2HGDH):c.1003C>T (p.Arg335Ter)

Gene: L2HGDH (L-2-hydroxyglutarate dehydrogenase; minus strand). Cytogenetic location: 14q21.3.
Variant type: single nucleotide variant.
Coding change: c.1003C>T on transcript NM_024884.3 (MANE Select); coding-DNA position 1003, C replaced by T.
Protein change: p.Arg335Ter; replaces arginine 335 with a stop codon.
Molecular consequence: nonsense.
Genome position (GRCh38, 1-based): chr14:50,267,814, G>A on the plus strand (C>T on the coding strand, the complement: L2HGDH is on the minus strand). VCF-style: chr14-50267814-G-A. GRCh37 (hg19) VCF-style: chr14-50734532-G-A.
Other names: L2HGDH, ARG335TER; short protein forms R335*.
Identifiers: ClinVar variation 30793 (VCV000030793.6), dbSNP rs387907013, ClinGen allele CA129468.
Genomic context (GRCh38, chr14:50,267,814, plus strand): 5'-TATTGATAATTATATCCATAACATCTGTGGCACTGAAGTCAAAGGGTCTGTAACCCTCTC[G>A]TTTAAAGGCAAGAACTGCATTAGGCCCTAGCCAAATACTGCCATCCATCCTTGGTGTGAA-3'